The following is an entry in ClinVar:

NM_139276.3(STAT3):c.166G>A (p.Val56Met)

Gene: STAT3 (signal transducer and activator of transcription 3; minus strand). Cytogenetic location: 17q21.2.
Variant type: single nucleotide variant.
Coding change: c.166G>A on transcript NM_139276.3 (MANE Select); coding-DNA position 166, G replaced by A.
Protein change: p.Val56Met; replaces valine 56 with methionine.
Molecular consequence: missense variant.
Genome position (GRCh38, 1-based): chr17:42,346,676, C>T on the plus strand (G>A on the coding strand, the complement: STAT3 is on the minus strand). VCF-style: chr17-42346676-C-T. GRCh37 (hg19) VCF-style: chr17-40498694-C-T.
Other names: c.166G>A, p.Val56Met (NM_001369512.1, NM_001369513.1, NM_001369514.1 and 17 more transcripts); short protein forms V56M.
Identifiers: ClinVar variation 4782699 (VCV004782699.1).

ClinVar aggregate classification (germline): Uncertain significance (1 of 4 stars; one submission).

Conditions:
STAT3 gain of function. Identifiers: MedGen C4288261.
Hyper-IgE recurrent infection syndrome 1, autosomal dominant. Also called: JOB SYNDROME; Job's Syndrome; STAT3 Hyper IgE Syndrome; Hyper-IgE recurrent infection syndrome 1; HYPER-IgE SYNDROME 1, AUTOSOMAL DOMINANT, WITH RECURRENT INFECTIONS. Identifiers: Orphanet 2314, MedGen C2936739, MONDO:0007818, OMIM 147060.

Submission:

Labcorp Genetics (formerly Invitae), Labcorp
Classification: Uncertain significance for STAT3 gain of function; Hyper-IgE recurrent infection syndrome 1, autosomal dominant. Last evaluated: 2025-02-06. Review status: criteria provided, single submitter. Criteria: Invitae Variant Classification Sherloc (09022015). Collection method: clinical testing. Allele origin: germline.
Comment: This sequence change replaces valine, which is neutral and non-polar, with methionine, which is neutral and non-polar, at codon 56 of the STAT3 protein (p.Val56Met). This variant is not present in population databases (gnomAD no frequency). This variant has not been reported in the literature in individuals affected with STAT3-related conditions. Invitae Evidence Modeling of protein sequence and biophysical properties (such as structural, functional, and spatial information, amino acid conservation, physicochemical variation, residue mobility, and thermodynamic stability) indicates that this missense variant is not expected to disrupt STAT3 protein function with a negative predictive value of 80%. In summary, the available evidence is currently insufficient to determine the role of this variant in disease. Therefore, it has been classified as a Variant of Uncertain Significance.